The following is an entry in ClinVar:

NM_000548.5(TSC2):c.3891C>G (p.Ala1297=)

Gene: TSC2 (TSC complex subunit 2; plus strand). Cytogenetic location: 16p13.3.
Variant type: single nucleotide variant.
Coding change: c.3891C>G on transcript NM_000548.5 (MANE Select); coding-DNA position 3891, C replaced by G.
Protein change: p.Ala1297=; no amino-acid change (alanine 1297 retained).
Molecular consequence: synonymous variant.
Genome position (GRCh38, 1-based): chr16:2,083,702, C>G. VCF-style: chr16-2083702-C-G. GRCh37 (hg19) VCF-style: chr16-2133703-C-G.
Other names: c.3690C>G, p.Ala1230= (NM_001077183.3); c.3822C>G, p.Ala1274= (NM_001114382.3); c.3582C>G, p.Ala1194= (NM_001318827.2); c.3546C>G, p.Ala1182= (NM_001318829.2); c.3159C>G, p.Ala1053= (NM_001318831.2); c.3723C>G, p.Ala1241= (NM_001318832.2); c.3693C>G, p.Ala1231= (NM_001363528.2); c.3759C>G, p.Ala1253= (NM_001370404.1); and 1 more.
Identifiers: ClinVar variation 468047 (VCV000468047.25), dbSNP rs373508609, ClinGen allele CA276752706.

ClinVar aggregate classification (germline): Benign/Likely benign. Review status: criteria provided, multiple submitters, no conflicts (2 of 4 stars). 9 submissions from 9 submitters: Benign (2); Likely benign (7). Last evaluated 2026-02-03.

Conditions:
Tuberous sclerosis 2 (TSC2). Identifiers: Orphanet 805, MedGen C1860707, MONDO:0013199, OMIM 613254.
Isolated focal cortical dysplasia type II (FCORD2). Also called: CORTICAL DYSPLASIA OF TAYLOR; Focal cortical dysplasia type II. Identifiers: Orphanet 268994, MedGen C1846385, MONDO:0011818, OMIM 607341, HP:0032051.
Lymphangiomyomatosis (LAM). Also called: Lymphangioleiomyomatosis; Lymphangioleiomyomatosis, somatic. Identifiers: Orphanet 538, MedGen C0751674, MONDO:0011705, OMIM 606690.
Hereditary cancer-predisposing syndrome. Also called: Hereditary neoplastic syndrome; Neoplastic Syndromes, Hereditary; Tumor predisposition; Hereditary Cancer Syndrome. Identifiers: Orphanet 140162, MedGen C0027672, MeSH D009386, MONDO:0015356.
Tuberous sclerosis syndrome (TSC). Also called: Tuberous Sclerosis Complex; Tuberous sclerosis. Identifiers: Orphanet 805, MedGen C0041341, MONDO:0001734.

Allele frequency attached by ClinVar (database versions not stated): TOPMed 0.00001.
gnomAD v4.1: 18 of 1,585,808 alleles (0.0011%); highest among the groups gnomAD compares: Admixed American, 0.0018%; no homozygotes.

Submissions (9):

Labcorp Genetics (formerly Invitae), Labcorp
Classification: Likely benign for Tuberous sclerosis 2. Last evaluated: 2026-02-03. Review status: criteria provided, single submitter. Criteria: Invitae Variant Classification Sherloc (09022015). Collection method: clinical testing. Allele origin: germline.

Myriad Genetics, Inc.
Classification: Benign for Tuberous sclerosis 2. Last evaluated: 2025-06-02. Review status: criteria provided, single submitter. Criteria: Myriad Autosomal Dominant, Autosomal Recessive and X-Linked Classification Criteria (2023). Collection method: clinical testing. Allele origin: unknown.
Comment: This variant is considered benign. This variant is a silent/synonymous amino acid change and it is not expected to impact splicing.

All of Us Research Program, National Institutes of Health
Classification: Likely benign for Tuberous sclerosis syndrome. Last evaluated: 2023-03-23. Review status: criteria provided, single submitter. Criteria: ACMG Guidelines, 2015. Collection method: clinical testing. Allele origin: germline. Inheritance: Autosomal dominant inheritance. Observed: 1 variant allele, 1 heterozygote.
Comment: This study involves interpretation of variants in research participants for the purpose of population health screening. Participant phenotype was not available at the time of variant classification. Additional details can be found in publication PMID: 35346344, PMCID: PMC8962531

Color Diagnostics, LLC DBA Color Health
Classification: Likely benign for Tuberous sclerosis syndrome. Last evaluated: 2022-10-04. Review status: criteria provided, single submitter. Criteria: ACMG Guidelines, 2015. Collection method: clinical testing. Allele origin: germline.

Sema4
Classification: Likely benign for Hereditary cancer-predisposing syndrome. Last evaluated: 2021-12-01. Review status: criteria provided, single submitter. Criteria: Sema4 Curation Guidelines. Collection method: curation. Allele origin: germline.

Genome-Nilou Lab
Classification: Benign for Tuberous sclerosis 2. Last evaluated: 2021-11-07. Review status: criteria provided, single submitter. Criteria: ACMG Guidelines, 2015. Collection method: clinical testing. Allele origin: germline. Affected: no.

Fulgent Genetics
Classification: Likely benign for Lymphangiomyomatosis; Isolated focal cortical dysplasia type II; Tuberous sclerosis 2. Last evaluated: 2021-09-15. Review status: criteria provided, single submitter. Criteria: ACMG Guidelines, 2015. Collection method: clinical testing. Allele origin: unknown.

GeneDx
Classification: Likely benign. Last evaluated: 2018-11-23. Review status: criteria provided, single submitter. Criteria: GeneDx Variant Classification Process June 2021. Collection method: clinical testing. Allele origin: germline. Affected: yes.

Ambry Genetics
Classification: Likely benign for Hereditary cancer-predisposing syndrome. Last evaluated: 2016-03-24. Review status: criteria provided, single submitter. Criteria: Ambry Variant Classification Scheme 2023. Collection method: clinical testing. Allele origin: germline.